The following is an entry in ClinVar:

NM_001004334.4(GPR179):c.3832G>A (p.Ala1278Thr)

Gene: GPR179 (G protein-coupled receptor 179; minus strand). Cytogenetic location: 17q12.
Variant type: single nucleotide variant.
Coding change: c.3832G>A on transcript NM_001004334.4 (MANE Select); coding-DNA position 3832, G replaced by A.
Protein change: p.Ala1278Thr; replaces alanine 1278 with threonine.
Molecular consequence: missense variant.
Genome position (GRCh38, 1-based): chr17:38,329,737, C>T on the plus strand (G>A on the coding strand, the complement: GPR179 is on the minus strand). VCF-style: chr17-38329737-C-T. GRCh37 (hg19) VCF-style: chr17-36485620-C-T.
Other names: short protein forms A1278T.
Identifiers: ClinVar variation 1462810 (VCV001462810.5), dbSNP rs2037332690, ClinGen allele CA398878428.
Genomic context (GRCh38, chr17:38,329,737, plus strand): 5'-CTGATTTTCCCCGGGCCTCCCCTCTCTTTTTTTGGGAGTCACCTGGGTCTTGTCTTAGTG[C>T]CCTCGACTCTGGGGCTCCTTCACTCGTCTCCCAGGGGCAGATTTCGGCCTTGTTGCCACT-3'
Protein context (NP_001004334.3, residues 1268-1288): ETSEGAPESR[Ala1278Thr]LRQDPGDSQK

ClinVar aggregate classification (germline): Uncertain significance (1 of 4 stars; one submission).

Allele frequency attached by ClinVar (database versions not stated): gnomAD exomes below 0.00001; TOPMed below 0.00001; gnomAD 0.00001.
gnomAD v4.1: 2 of 1,614,024 alleles (0.00012%); highest among the groups gnomAD compares: Non-Finnish European, 0.00017%; no homozygotes.

Submission:

Labcorp Genetics (formerly Invitae), Labcorp
Classification: Uncertain significance. Last evaluated: 2021-08-31. Review status: criteria provided, single submitter. Criteria: Invitae Variant Classification Sherloc (09022015). Collection method: clinical testing. Allele origin: germline.
Comment: In summary, the available evidence is currently insufficient to determine the role of this variant in disease. Therefore, it has been classified as a Variant of Uncertain Significance. Algorithms developed to predict the effect of missense changes on protein structure and function output the following: SIFT: "Tolerated"; PolyPhen-2: "Benign"; Align-GVGD: "Class C0". The threonine amino acid residue is found in multiple mammalian species, which suggests that this missense change does not adversely affect protein function. This variant has not been reported in the literature in individuals affected with GPR179-related conditions. This variant is not present in population databases (ExAC no frequency). This sequence change replaces alanine with threonine at codon 1278 of the GPR179 protein (p.Ala1278Thr). The alanine residue is weakly conserved and there is a small physicochemical difference between alanine and threonine.